The following is an entry in ClinVar:

ClinVar aggregate classification (germline): Likely benign. Review status: criteria provided, multiple submitters, no conflicts (2 of 4 stars). 2 submissions from 2 submitters: Likely benign (2). Last evaluated 2025-04-25.

Conditions:
CYP4V2-related disorder. Also called: CYP4V2-related condition; CYP4V2-related disorders.

Allele frequency attached by ClinVar (database versions not stated): gnomAD 0.00001 and 0.00002; gnomAD exomes 0.00001; TOPMed 0.00002.

Submissions (2):

PreventionGenetics, part of Exact Sciences
Classification: Likely benign for CYP4V2-related condition. Last evaluated: 2025-04-25. Review status: criteria provided, single submitter. Criteria: ACMG Guidelines, 2015. Collection method: clinical testing. Allele origin: germline.
Comment: This variant is classified as likely benign based on ACMG/AMP sequence variant interpretation guidelines (Richards et al. 2015 PMID: 25741868, with internal and published modifications).

Labcorp Genetics (formerly Invitae), Labcorp
Classification: Likely benign. Last evaluated: 2022-12-07. Review status: criteria provided, single submitter. Criteria: Invitae Variant Classification Sherloc (09022015). Collection method: clinical testing. Allele origin: germline.

NM_207352.4(CYP4V2):c.1269C>T (p.Pro423=)

Gene: CYP4V2 (cytochrome P450 family 4 subfamily V member 2; plus strand). Cytogenetic location: 4q35.2.
Variant type: single nucleotide variant.
Coding change: c.1269C>T on transcript NM_207352.4 (MANE Select); coding-DNA position 1269, C replaced by T.
Protein change: p.Pro423=; no amino-acid change (proline 423 retained).
Molecular consequence: synonymous variant.
Genome position (GRCh38, 1-based): chr4:186,209,136, C>T. VCF-style: chr4-186209136-C-T. GRCh37 (hg19) VCF-style: chr4-187130290-C-T.
Other names: c.1269C>T (NM_207352.3).
Identifiers: ClinVar variation 1113287 (VCV001113287.10), dbSNP rs905837185, ClinGen allele CA112135019.